The following is an entry in ClinVar:

NM_001034853.2(RPGR):c.466A>G (p.Thr156Ala)

Gene: RPGR (retinitis pigmentosa GTPase regulator; minus strand). Cytogenetic location: Xp11.4.
Variant type: single nucleotide variant.
Coding change: c.466A>G on transcript NM_001034853.2 (MANE Select); coding-DNA position 466, A replaced by G.
Protein change: p.Thr156Ala; replaces threonine 156 with alanine.
Molecular consequence: missense variant. On other transcripts: non-coding transcript variant (6).
Genome position (GRCh38, 1-based): chrX:38,318,832, T>C on the plus strand (A>G on the coding strand, the complement: RPGR is on the minus strand). VCF-style: chrX-38318832-T-C. GRCh37 (hg19) VCF-style: chrX-38178085-T-C.
Other names: c.466A>G, p.Thr156Ala (NM_000328.3, NM_001367245.1, NM_001367246.1 and 3 more transcripts); c.496A>G, p.Thr166Ala (NM_001367248.1); c.463A>G, p.Thr155Ala (NM_001367249.1); short protein forms T155A, T166A, T156A.
Identifiers: ClinVar variation 2017928 (VCV002017928.4), dbSNP rs1315339022, ClinGen allele CA412744994.

ClinVar aggregate classification (germline): Uncertain significance (1 of 4 stars; one submission).

Conditions:
Primary ciliary dyskinesia. Also called: Ciliary dyskinesia. Identifiers: Orphanet 244, MedGen C0008780, MONDO:0016575, HP:0012265.

Submission:

Labcorp Genetics (formerly Invitae), Labcorp
Classification: Uncertain significance for Primary ciliary dyskinesia. Last evaluated: 2024-05-26. Review status: criteria provided, single submitter. Criteria: Invitae Variant Classification Sherloc (09022015). Collection method: clinical testing. Allele origin: germline.
Comment: This sequence change replaces threonine, which is neutral and polar, with alanine, which is neutral and non-polar, at codon 156 of the RPGR protein (p.Thr156Ala). This variant is not present in population databases (gnomAD no frequency). This variant has not been reported in the literature in individuals affected with RPGR-related conditions. ClinVar contains an entry for this variant (Variation ID: 2017928). Advanced modeling of protein sequence and biophysical properties (such as structural, functional, and spatial information, amino acid conservation, physicochemical variation, residue mobility, and thermodynamic stability) has been performed at Invitae for this missense variant, however the output from this modeling did not meet the statistical confidence thresholds required to predict the impact of this variant on RPGR protein function. In summary, the available evidence is currently insufficient to determine the role of this variant in disease. Therefore, it has been classified as a Variant of Uncertain Significance.